The following is an entry in ClinVar:

NM_020937.4(FANCM):c.5736T>A (p.Phe1912Leu)

Gene: FANCM (FA complementation group M; plus strand). Cytogenetic location: 14q21.2.
Variant type: single nucleotide variant.
Coding change: c.5736T>A on transcript NM_020937.4 (MANE Select); coding-DNA position 5736, T replaced by A.
Protein change: p.Phe1912Leu; replaces phenylalanine 1912 with leucine.
Molecular consequence: missense variant.
Genome position (GRCh38, 1-based): chr14:45,198,663, T>A. VCF-style: chr14-45198663-T-A. GRCh37 (hg19) VCF-style: chr14-45667866-T-A.
Other names: c.5736T>A (NM_020937.2); c.5658T>A, p.Phe1886Leu (NM_001308133.2); short protein forms F1912L, F1886L.
Identifiers: ClinVar variation 1504525 (VCV001504525.10), dbSNP rs755903696, ClinGen allele CA7170060.

ClinVar aggregate classification (germline): Uncertain significance. Review status: criteria provided, multiple submitters, no conflicts (2 of 4 stars). 3 submissions from 3 submitters: Uncertain significance (3). Last evaluated 2024-12-04.

Conditions:
Fanconi anemia (FA). Also called: Fanconi's anemia. Identifiers: Orphanet 84, MedGen C0015625, MeSH D005199, MONDO:0019391.
Inborn genetic diseases. Identifiers: MedGen C0950123, MeSH D030342.

Allele frequency attached by ClinVar (database versions not stated): gnomAD exomes below 0.00001 and 0.00001; ExAC 0.00001; gnomAD 0.00001.

Submissions (3):

Ambry Genetics
Classification: Uncertain significance for Inborn genetic diseases. Last evaluated: 2024-12-04. Review status: criteria provided, single submitter. Criteria: Ambry Variant Classification Scheme 2023. Collection method: clinical testing. Allele origin: germline.
Comment: The p.F1912L variant (also known as c.5736T>A), located in coding exon 22 of the FANCM gene, results from a T to A substitution at nucleotide position 5736. The phenylalanine at codon 1912 is replaced by leucine, an amino acid with highly similar properties. This amino acid position is conserved. In addition, this alteration is predicted to be tolerated by in silico analysis. Based on the available evidence, the clinical significance of this variant remains unclear.

GeneDx
Classification: Uncertain significance. Last evaluated: 2024-08-02. Review status: criteria provided, single submitter. Criteria: GeneDx Variant Classification Process June 2021. Collection method: clinical testing. Allele origin: germline. Affected: yes.
Comment: Not observed at significant frequency in large population cohorts (gnomAD); In silico analysis supports that this missense variant has a deleterious effect on protein structure/function; Has not been previously published as pathogenic or benign to our knowledge

Labcorp Genetics (formerly Invitae), Labcorp
Classification: Uncertain significance for Fanconi anemia. Last evaluated: 2020-12-29. Review status: criteria provided, single submitter. Criteria: Invitae Variant Classification Sherloc (09022015). Collection method: clinical testing. Allele origin: germline.
Comment: This variant has not been reported in the literature in individuals with FANCM-related conditions. Algorithms developed to predict the effect of missense changes on protein structure and function output the following: SIFT: "Tolerated"; PolyPhen-2: "Benign"; Align-GVGD: "Class C0". The leucine amino acid residue is found in multiple mammalian species, suggesting that this missense change does not adversely affect protein function. These predictions have not been confirmed by published functional studies and their clinical significance is uncertain. In summary, the available evidence is currently insufficient to determine the role of this variant in disease. Therefore, it has been classified as a Variant of Uncertain Significance. This sequence change replaces phenylalanine with leucine at codon 1912 of the FANCM protein (p.Phe1912Leu). The phenylalanine residue is moderately conserved and there is a small physicochemical difference between phenylalanine and leucine. This variant is present in population databases (rs755903696, ExAC 0.002%).